The following is an entry in ClinVar:

ClinVar aggregate classification (germline): Likely benign. Review status: criteria provided, multiple submitters, no conflicts (2 of 4 stars). 2 submissions from 2 submitters: Likely benign (2). Last evaluated 2026-08-01.

Conditions:
Distal myopathy with posterior leg and anterior hand involvement. Also called: WILLIAMS DISTAL MYOPATHY. Identifiers: Orphanet 63273, MedGen C3279722, MONDO:0013550, OMIM 614065.
Myofibrillar myopathy 5. Also called: Filaminopathy (type); FILAMINOPATHY, AUTOSOMAL DOMINANT. Identifiers: Orphanet 171445, MedGen C1836050, MONDO:0012289, OMIM 609524.
Hypertrophic cardiomyopathy 26. Also called: Cardiomyopathy, familial hypertrophic, 26. Identifiers: Orphanet 75249, MedGen C4310749, MONDO:0014883, OMIM 617047.

Allele frequency attached by ClinVar (database versions not stated): gnomAD 0.00001; gnomAD exomes 0.00001; TOPMed 0.00002.
gnomAD v4.1: 11 of 1,613,996 alleles (0.00068%); highest among the groups gnomAD compares: East Asian, 0.0022%; no homozygotes.

Submissions (2):

CeGaT Center for Human Genetics Tuebingen
Classification: Likely benign. Last evaluated: 2026-08-01. Review status: criteria provided, single submitter. Criteria: CeGaT Center For Human Genetics Tuebingen Variant Classification Criteria Version 2. Collection method: clinical testing. Allele origin: germline. Affected: yes. Observed: 2 variant alleles.
Comment: FLNC: BP4, BP7

Labcorp Genetics (formerly Invitae), Labcorp
Classification: Likely benign for Distal myopathy with posterior leg and anterior hand involvement; Myofibrillar myopathy 5; Hypertrophic cardiomyopathy 26. Last evaluated: 2025-06-01. Review status: criteria provided, single submitter. Criteria: Invitae Variant Classification Sherloc (09022015). Collection method: clinical testing. Allele origin: germline.

NM_001458.5(FLNC):c.7599C>T (p.Ala2533=)

Genes: FLNC (filamin C; plus strand), FLNC-AS1 (FLNC antisense RNA 1; minus strand). Cytogenetic location: 7q32.1.
Variant type: single nucleotide variant.
Coding change: c.7599C>T on transcript NM_001458.5 (MANE Select); coding-DNA position 7599, C replaced by T.
Protein change: p.Ala2533=; no amino-acid change (alanine 2533 retained).
Molecular consequence: synonymous variant.
Genome position (GRCh38, 1-based): chr7:128,857,155, C>T. VCF-style: chr7-128857155-C-T. GRCh37 (hg19) VCF-style: chr7-128497209-C-T.
Other names: c.7500C>T, p.Ala2500= (NM_001127487.2).
Identifiers: ClinVar variation 1158496 (VCV001158496.16), dbSNP rs1184080931, ClinGen allele CA457850239.
Genomic context (GRCh38, chr7:128,857,155, plus strand): 5'-GCCTTGCTACCTCTGGCCCCCAGGTGTGTCATCAGAGTTCATCGTGAACACCCTGAATGC[C>T]GGCTCGGGGGCCTTGTCTGTCACCATTGATGGCCCCTCCAAGGTGCAGCTGGACTGTCGG-3'
Protein context (NP_001449.3, residues 2523-2543): SSEFIVNTLN[Ala2533=]GSGALSVTID